The following is an entry in ClinVar:

NM_001482.3(GATM):c.560G>A (p.Arg187His)

Gene: GATM (glycine amidinotransferase; minus strand). Cytogenetic location: 15q21.1.
Variant type: single nucleotide variant.
Coding change: c.560G>A on transcript NM_001482.3 (MANE Select); coding-DNA position 560, G replaced by A.
Protein change: p.Arg187His; replaces arginine 187 with histidine.
Molecular consequence: missense variant.
Genome position (GRCh38, 1-based): chr15:45,368,185, C>T on the plus strand (G>A on the coding strand, the complement: GATM is on the minus strand). VCF-style: chr15-45368185-C-T. GRCh37 (hg19) VCF-style: chr15-45660383-C-T.
Other names: c.173G>A, p.Arg58His (NM_001321015.2); short protein forms R58H, R187H.
Identifiers: ClinVar variation 3703984 (VCV003703984.2).

ClinVar aggregate classification (germline): Uncertain significance (1 of 4 stars; one submission).

Conditions:
Arginine:glycine amidinotransferase deficiency (CCDS3). Also called: AGAT deficiency; L-Arginine:Glycine Amidinotransferase Deficiency; Creatine deficiency syndrome due to AGAT deficiency; GATM deficiency; L-Arginine:Glycine Amidinotransferase (AGAT) Deficiency; Cerebral creatine deficiency syndrome 3. Identifiers: Orphanet 35704, MedGen C2675179, MONDO:0012996, OMIM 612718.

gnomAD v4.1: 6 of 1,614,106 alleles (0.00037%); highest among the groups gnomAD compares: Admixed American, 0.0017%; no homozygotes.

Submission:

Labcorp Genetics (formerly Invitae), Labcorp
Classification: Uncertain significance for Arginine:glycine amidinotransferase deficiency. Last evaluated: 2024-07-01. Review status: criteria provided, single submitter. Criteria: Invitae Variant Classification Sherloc (09022015). Collection method: clinical testing. Allele origin: germline.
Comment: This sequence change replaces arginine, which is basic and polar, with histidine, which is basic and polar, at codon 187 of the GATM protein (p.Arg187His). This variant is present in population databases (no rsID available, gnomAD 0.003%). This variant has not been reported in the literature in individuals affected with GATM-related conditions. Advanced modeling of protein sequence and biophysical properties (such as structural, functional, and spatial information, amino acid conservation, physicochemical variation, residue mobility, and thermodynamic stability) performed at Invitae indicates that this missense variant is expected to disrupt GATM protein function with a positive predictive value of 80%. In summary, the available evidence is currently insufficient to determine the role of this variant in disease. Therefore, it has been classified as a Variant of Uncertain Significance.